The following is an entry in ClinVar:

ClinVar aggregate classification (germline): Uncertain significance (1 of 4 stars; one submission).

Conditions:
Hereditary cancer-predisposing syndrome. Also called: Tumor predisposition; Hereditary neoplastic syndrome; Neoplastic Syndromes, Hereditary; Hereditary Cancer Syndrome. Identifiers: Orphanet 140162, MedGen C0027672, MeSH D009386, MONDO:0015356.

Submission:

Ambry Genetics
Classification: Uncertain significance for Hereditary cancer-predisposing syndrome. Last evaluated: 2025-05-02. Review status: criteria provided, single submitter. Criteria: Ambry Variant Classification Scheme 2023. Collection method: clinical testing. Allele origin: germline.
Comment: The p.I1079V variant (also known as c.3235A>G), located in coding exon 19 of the BRIP1 gene, results from an A to G substitution at nucleotide position 3235. The isoleucine at codon 1079 is replaced by valine, an amino acid with highly similar properties. This amino acid position is conserved. In addition, this alteration is predicted to be tolerated by in silico analysis. Based on the available evidence, the clinical significance of this variant remains unclear.

NM_032043.3(BRIP1):c.3235A>G (p.Ile1079Val)

Gene: BRIP1 (BRCA1 interacting DNA helicase 1; minus strand). Cytogenetic location: 17q23.2.
Variant type: single nucleotide variant.
Coding change: c.3235A>G on transcript NM_032043.3 (MANE Select); coding-DNA position 3235, A replaced by G.
Protein change: p.Ile1079Val; replaces isoleucine 1079 with valine.
Molecular consequence: missense variant.
Genome position (GRCh38, 1-based): chr17:61,683,811, T>C on the plus strand (A>G on the coding strand, the complement: BRIP1 is on the minus strand). VCF-style: chr17-61683811-T-C. GRCh37 (hg19) VCF-style: chr17-59761172-T-C.
Other names: short protein forms I1079V.
Identifiers: ClinVar variation 3993154 (VCV003993154.1).
Genomic context (GRCh38, chr17:61,683,811, plus strand): 5'-GGGCTTCTTCAGAACAGAGCGGATGTTCAGAATGATTTTTTCTAGTAAGGGTGGCATCAA[T>C]CTTTAATGATGAAATAATGGTTTCTGATTGAGGGCATGATCCAAACGATGTGTTTACTGT-3'
Protein context (NP_114432.2, residues 1069-1089): QSETIISSLK[Ile1079Val]DATLTRKNHS